The following is an entry in ClinVar:

ClinVar aggregate classification (germline): Uncertain significance (1 of 4 stars; one submission).

Submission:

Ambry Genetics
Classification: Uncertain significance. Last evaluated: 2021-10-06. Review status: criteria provided, single submitter. Criteria: Ambry Variant Classification Scheme 2023. Collection method: clinical testing. Allele origin: germline.
Comment: The p.G89C variant (also known as c.265G>T), located in coding exon 2 of the MYLK2 gene, results from a G to T substitution at nucleotide position 265. The glycine at codon 89 is replaced by cysteine, an amino acid with highly dissimilar properties. This amino acid position is conserved. In addition, this alteration is predicted to be tolerated by in silico analysis. Since supporting evidence is limited at this time, the clinical significance of this alteration remains unclear.

NM_033118.4(MYLK2):c.265G>T (p.Gly89Cys)

Gene: MYLK2 (myosin light chain kinase 2; plus strand). Cytogenetic location: 20q11.21.
Variant type: single nucleotide variant.
Coding change: c.265G>T on transcript NM_033118.4 (MANE Select); coding-DNA position 265, G replaced by T.
Protein change: p.Gly89Cys; replaces glycine 89 with cysteine.
Molecular consequence: missense variant.
Genome position (GRCh38, 1-based): chr20:31,820,338, G>T. VCF-style: chr20-31820338-G-T. GRCh37 (hg19) VCF-style: chr20-30408141-G-T.
Other names: short protein forms G89C.
Identifiers: ClinVar variation 1794437 (VCV001794437.2), dbSNP rs2515451253, ClinGen allele CA408525253.